The following is an entry in ClinVar:

ClinVar aggregate classification (germline): Uncertain significance. Review status: criteria provided, multiple submitters, no conflicts (2 of 4 stars). 3 submissions from 3 submitters: Uncertain significance (2). 1 of the submissions does not count toward it. Last evaluated 2023-05-11.

Conditions:
Cardiovascular phenotype. Identifiers: MedGen CN230736.
Alstrom syndrome (ALMS). Identifiers: Orphanet 64, MedGen C0268425, MONDO:0008763, OMIM 203800.

Allele frequency attached by ClinVar (database versions not stated): TOPMed 0.00001.

Submissions (3):

Ambry Genetics
Classification: Uncertain significance for Cardiovascular phenotype. Last evaluated: 2023-05-11. Review status: criteria provided, single submitter. Criteria: Ambry Variant Classification Scheme 2023. Collection method: clinical testing. Allele origin: germline.
Comment: The p.V3489L variant (also known as c.10465G>C), located in coding exon 16 of the ALMS1 gene, results from a G to C substitution at nucleotide position 10465. The valine at codon 3489 is replaced by leucine, an amino acid with highly similar properties. This amino acid position is highly conserved in available vertebrate species. In addition, the in silico prediction for this alteration is inconclusive. Since supporting evidence is limited at this time, the clinical significance of this alteration remains unclear.

GeneDx
Classification: Uncertain significance. Last evaluated: 2021-08-18. Review status: criteria provided, single submitter. Criteria: GeneDx Variant Classification Process June 2021. Collection method: clinical testing. Allele origin: germline. Affected: yes.
Comment: Not observed at significant frequency in large population cohorts (Lek et al., 2016); In silico analysis supports that this missense variant does not alter protein structure/function; Has not been previously published as pathogenic or benign to our knowledge

Natera, Inc.
Classification: Uncertain significance for Alstrom syndrome. Last evaluated: 2025-01-13. Review status: no assertion criteria provided. Collection method: clinical testing. Allele origin: germline. Not counted in ClinVar's aggregate classification.

NM_001378454.1(ALMS1):c.10462G>C (p.Val3488Leu)

Gene: ALMS1 (ALMS1 centrosome and basal body associated protein; plus strand). Cytogenetic location: 2p13.1.
Variant type: single nucleotide variant.
Coding change: c.10462G>C on transcript NM_001378454.1 (MANE Select); coding-DNA position 10462, G replaced by C.
Protein change: p.Val3488Leu; replaces valine 3488 with leucine.
Molecular consequence: missense variant.
Genome position (GRCh38, 1-based): chr2:73,572,339, G>C. VCF-style: chr2-73572339-G-C. GRCh37 (hg19) VCF-style: chr2-73799466-G-C.
Other names: c.10465G>C, p.Val3489Leu (NM_015120.4); short protein forms V3489L, V3488L.
Identifiers: ClinVar variation 388612 (VCV000388612.6), dbSNP rs1057523167, ClinGen allele CA16604695.
Genomic context (GRCh38, chr2:73,572,339, plus strand): 5'-GAATTTGAAAATACTACCCGTTCTGTCTTCAGGTCAGCAAAGTTTTACATTCATCATCCC[G>C]TACACCTACCAAGTGATCAAGATATTTGCCATGAATCTTTGGGAAAGAGTGTTTTCATGA-3'
Protein context (NP_001365383.1, residues 3478-3498): RSAKFYIHHP[Val3488Leu]HLPSDQDICH